The following is an entry in ClinVar:

NM_000540.3(RYR1):c.7147_7148delinsAA (p.Ala2383Asn)

Gene: RYR1 (ryanodine receptor 1; plus strand). Cytogenetic location: 19q13.2.
Variant type: Indel.
Coding change: c.7147_7148delinsAA on transcript NM_000540.3 (MANE Select); coding-DNA positions 7147 to 7148, GC replaced by AA.
Protein change: p.Ala2383Asn; replaces alanine 2383 with asparagine.
Molecular consequence: missense variant.
Genome position (GRCh38, 1-based): chr19:38,499,754-38,499,755, GC replaced by AA. VCF-style: chr19-38499754-GC-AA. GRCh37 (hg19) VCF-style: chr19-38990394-GC-AA.
Other names: c.7147_7148delinsAA, p.Ala2383Asn (NM_001042723.2); short protein forms A2383N.
Identifiers: ClinVar variation 4756795 (VCV004756795.1).

ClinVar aggregate classification (germline): Uncertain significance (1 of 4 stars; one submission).

Conditions:
Malignant hyperthermia, susceptibility to, 1 (MHS1). Also called: RYR1-Related Malignant Hyperthermia Susceptibility; Malignant hyperthermia suceptibility 1; Anesthesia related hyperthermia; Malignant hyperpyrexia; Fulminating hyperpyrexia; Pharmacogenic myopathy. Identifiers: Orphanet 423, MedGen C2930980, MONDO:0007783, OMIM 145600.

Submission:

Color Diagnostics, LLC DBA Color Health
Classification: Uncertain significance for Malignant hyperthermia, susceptibility to, 1. Last evaluated: 2025-07-08. Review status: criteria provided, single submitter. Criteria: ACMG Guidelines, 2015. Collection method: clinical testing. Allele origin: germline.
Comment: This missense variant replaces alanine with asparagine at codon 2383 of the RYR1 protein. To our knowledge, functional studies have not been reported for this variant. This variant has not been reported in individuals affected with RYR1-related disorders in the literature. This variant has not been identified in the general population by the Genome Aggregation Database (gnomAD). The available evidence is insufficient to determine the role of this variant in disease conclusively. Therefore, this variant is classified as a Variant of Uncertain Significance.